The following is an entry in ClinVar:

ClinVar aggregate classification (germline): Uncertain significance (1 of 4 stars; one submission).

Conditions:
Cardiovascular phenotype. Identifiers: MedGen CN230736.

Allele frequency attached by ClinVar (database versions not stated): TOPMed 0.00001; gnomAD 0.00001.
gnomAD v4.1: 19 of 1,503,390 alleles (0.0013%); highest among the groups gnomAD compares: Admixed American, 0.0022%; no homozygotes.

Submission:

Ambry Genetics
Classification: Uncertain significance for Cardiovascular phenotype. Last evaluated: 2025-05-05. Review status: criteria provided, single submitter. Criteria: Ambry Variant Classification Scheme 2023. Collection method: clinical testing. Allele origin: germline.
Comment: The p.P3113L variant (also known as c.9338C>T), located in coding exon 2 of the ZNF469 gene, results from a C to T substitution at nucleotide position 9338. The proline at codon 3113 is replaced by leucine, an amino acid with similar properties. This amino acid position is conserved. In addition, this alteration is predicted to be tolerated by in silico analysis. Since supporting evidence is limited at this time, the clinical significance of this alteration remains unclear.

NM_001367624.2(ZNF469):c.9422C>T (p.Pro3141Leu)

Gene: ZNF469 (zinc finger protein 469; plus strand). Cytogenetic location: 16q24.2.
Variant type: single nucleotide variant.
Coding change: c.9422C>T on transcript NM_001367624.2 (MANE Select); coding-DNA position 9422, C replaced by T.
Protein change: p.Pro3141Leu; replaces proline 3141 with leucine.
Molecular consequence: missense variant.
Genome position (GRCh38, 1-based): chr16:88,436,892, C>T. VCF-style: chr16-88436892-C-T. GRCh37 (hg19) VCF-style: chr16-88503300-C-T.
Other names: NM_001127464.1:c.9338C>T; short protein forms P3141L.
Identifiers: ClinVar variation 2449519 (VCV002449519.3), dbSNP rs1286690721, ClinGen allele CA397122229.